The following is an entry in ClinVar:

NM_016816.4(OAS1):c.841C>G (p.Pro281Ala)

Gene: OAS1 (2'-5'-oligoadenylate synthetase 1; plus strand). Cytogenetic location: 12q24.13.
Variant type: single nucleotide variant.
Coding change: c.841C>G on transcript NM_016816.4 (MANE Select); coding-DNA position 841, C replaced by G.
Protein change: p.Pro281Ala; replaces proline 281 with alanine.
Molecular consequence: missense variant. On other transcripts: non-coding transcript variant (9).
Genome position (GRCh38, 1-based): chr12:112,916,695, C>G. VCF-style: chr12-112916695-C-G. GRCh37 (hg19) VCF-style: chr12-113354500-C-G.
Other names: c.841C>G, p.Pro281Ala (NM_001032409.3, NM_001320151.2, NM_001406022.1 and 1 more transcripts); c.817C>G, p.Pro273Ala (NM_001406020.1, NM_001406021.1, NM_001406023.1 and 2 more transcripts); c.367C>G, p.Pro123Ala (NM_001406026.1, NM_001406027.1, NM_001406029.1 and 1 more transcripts); short protein forms P281A, P273A, P123A.
Identifiers: ClinVar variation 3697085 (VCV003697085.2).

ClinVar aggregate classification (germline): Uncertain significance (1 of 4 stars; one submission).

Submission:

Labcorp Genetics (formerly Invitae), Labcorp
Classification: Uncertain significance. Last evaluated: 2024-04-19. Review status: criteria provided, single submitter. Criteria: Invitae Variant Classification Sherloc (09022015). Collection method: clinical testing. Allele origin: germline.
Comment: This sequence change replaces proline, which is neutral and non-polar, with alanine, which is neutral and non-polar, at codon 281 of the OAS1 protein (p.Pro281Ala). This variant is not present in population databases (gnomAD no frequency). This variant has not been reported in the literature in individuals affected with OAS1-related conditions. Algorithms developed to predict the effect of missense changes on protein structure and function output the following: SIFT: "Not Available"; PolyPhen-2: "Benign"; Align-GVGD: "Not Available". The alanine amino acid residue is found in multiple mammalian species, which suggests that this missense change does not adversely affect protein function. In summary, the available evidence is currently insufficient to determine the role of this variant in disease. Therefore, it has been classified as a Variant of Uncertain Significance.